The following is an entry in ClinVar:

NM_001135649.3(FOXI3):c.431T>A (p.Val144Glu)

Gene: FOXI3 (forkhead box I3; minus strand). Cytogenetic location: 2p11.2.
Variant type: single nucleotide variant.
Coding change: c.431T>A on transcript NM_001135649.3 (MANE Select); coding-DNA position 431, T replaced by A.
Protein change: p.Val144Glu; replaces valine 144 with glutamic acid.
Molecular consequence: missense variant.
Genome position (GRCh38, 1-based): chr2:88,452,105, A>T on the plus strand (T>A on the coding strand, the complement: FOXI3 is on the minus strand). VCF-style: chr2-88452105-A-T. GRCh37 (hg19) VCF-style: chr2-88751624-A-T.
Other names: short protein forms V144E.
Identifiers: ClinVar variation 1721285 (VCV001721285.5), dbSNP rs2528916557, ClinGen allele CA347766362.

ClinVar aggregate classification (germline): Uncertain significance (1 of 4 stars; one submission).

Submission:

Labcorp Genetics (formerly Invitae), Labcorp
Classification: Uncertain significance. Last evaluated: 2025-03-29. Review status: criteria provided, single submitter. Criteria: Invitae Variant Classification Sherloc (09022015). Collection method: clinical testing. Allele origin: germline.
Comment: This sequence change replaces valine, which is neutral and non-polar, with glutamic acid, which is acidic and polar, at codon 144 of the FOXI3 protein (p.Val144Glu). This variant is not present in population databases (gnomAD no frequency). This variant has not been reported in the literature in individuals affected with FOXI3-related conditions. ClinVar contains an entry for this variant (Variation ID: 1721285). Experimental studies and prediction algorithms are not available or were not evaluated, and the functional significance of this variant is currently unknown. In summary, the available evidence is currently insufficient to determine the role of this variant in disease. Therefore, it has been classified as a Variant of Uncertain Significance.